The following is an entry in ClinVar:

NM_001113378.2(FANCI):c.3199G>T (p.Glu1067Ter)

Gene: FANCI (FA complementation group I; plus strand). Cytogenetic location: 15q26.1.
Variant type: single nucleotide variant.
Coding change: c.3199G>T on transcript NM_001113378.2 (MANE Select); coding-DNA position 3199, G replaced by T.
Protein change: p.Glu1067Ter; replaces glutamic acid 1067 with a stop codon.
Molecular consequence: nonsense.
Genome position (GRCh38, 1-based): chr15:89,305,353, G>T. VCF-style: chr15-89305353-G-T. GRCh37 (hg19) VCF-style: chr15-89848584-G-T.
Other names: c.2920G>T, p.Glu974Ter (NM_001376910.1); c.3199G>T, p.Glu1067Ter (NM_001376911.1); c.3019G>T, p.Glu1007Ter (NM_018193.3); short protein forms E1007*, E1067*, E974*.
Identifiers: ClinVar variation 2866589 (VCV002866589.3), dbSNP rs2508428231, ClinGen allele CA393739691.
Genomic context (GRCh38, chr15:89,305,353, plus strand): 5'-GGGAACAACCTTACTGTCATTAGGTCTCACCTCTCTTCTTTTCCCCAGGATGTAGAGGTG[G>T]AGAAAACAAACCACTTTGCAATAGTGAATTTGAGAACGGCTGCCCCCACTGTCTGTGTAA-3'

ClinVar aggregate classification (germline): Pathogenic (1 of 4 stars; one submission).

Conditions:
Fanconi anemia (FA). Also called: Fanconi's anemia. Identifiers: Orphanet 84, MedGen C0015625, MeSH D005199, MONDO:0019391.

Submission:

Labcorp Genetics (formerly Invitae), Labcorp
Classification: Pathogenic for Fanconi anemia. Last evaluated: 2023-05-26. Review status: criteria provided, single submitter. Criteria: Invitae Variant Classification Sherloc (09022015). Collection method: clinical testing. Allele origin: germline.
Comment: For these reasons, this variant has been classified as Pathogenic. This variant has not been reported in the literature in individuals affected with FANCI-related conditions. This variant is not present in population databases (gnomAD no frequency). This sequence change creates a premature translational stop signal (p.Glu1067*) in the FANCI gene. It is expected to result in an absent or disrupted protein product. Loss-of-function variants in FANCI are known to be pathogenic (PMID: 17452773, 17460694).

Literature cited by the submitters: PubMed 17452773; PubMed 17460694.